The following is an entry in ClinVar:

NM_002693.3(POLG):c.381G>T (p.Leu127=)

Genes: POLG (DNA polymerase gamma, catalytic subunit; minus strand), POLGARF (POLG alternative reading frame; minus strand). Cytogenetic location: 15q26.1.
Variant type: single nucleotide variant.
Coding change: c.381G>T on transcript NM_002693.3 (MANE Select); coding-DNA position 381, G replaced by T.
Protein change: p.Leu127=; no amino-acid change (leucine 127 retained).
Molecular consequence: synonymous variant.
Genome position (GRCh38, 1-based): chr15:89,333,374, C>A on the plus strand (G>T on the coding strand, the complement: POLG is on the minus strand). VCF-style: chr15-89333374-C-A. GRCh37 (hg19) VCF-style: chr15-89876605-C-A.
Other names: c.381G>T, p.Leu127= (NM_001126131.2).
Identifiers: ClinVar variation 392973 (VCV000392973.41), dbSNP rs1057524724, ClinGen allele CA16607929.

ClinVar aggregate classification (germline): Conflicting classifications of pathogenicity. Review status: criteria provided, conflicting classifications (1 of 4 stars). 3 submissions from 3 submitters: Uncertain significance (1); Likely benign (2). Last evaluated 2025-01-19.

Conditions:
Progressive sclerosing poliodystrophy (MTDPS4A). Also called: Mitochondrial DNA depletion syndrome 4A (Alpers type); Alpers-Huttenlocher Syndrome (AHS); Alpers Syndrome; ALPERS DIFFUSE DEGENERATION OF CEREBRAL GRAY MATTER WITH HEPATIC CIRRHOSIS; Alpers-Huttenlocher Syndrome; Mitochondrial DNA Depletion Syndrome 4A. Identifiers: Orphanet 726, MedGen C0205710, MONDO:0008758, OMIM 203700.

gnomAD v4.1: 11 of 1,579,008 alleles (0.0007%); highest among the groups gnomAD compares: Non-Finnish European, 0.00086%; no homozygotes.

Submissions (3):

Labcorp Genetics (formerly Invitae), Labcorp
Classification: Likely benign for Progressive sclerosing poliodystrophy. Last evaluated: 2025-01-19. Review status: criteria provided, single submitter. Criteria: Invitae Variant Classification Sherloc (09022015). Collection method: clinical testing. Allele origin: germline.

CeGaT Center for Human Genetics Tuebingen
Classification: Uncertain significance. Last evaluated: 2021-03-01. Review status: criteria provided, single submitter. Criteria: CeGaT Center For Human Genetics Tuebingen Variant Classification Criteria Version 2. Collection method: clinical testing. Allele origin: germline. Affected: yes. Observed: 1 variant allele.

GeneDx
Classification: Likely benign. Last evaluated: 2017-01-17. Review status: criteria provided, single submitter. Criteria: GeneDx Variant Classification (06012015). Collection method: clinical testing. Allele origin: germline. Affected: yes.
Comment: This variant is considered likely benign or benign based on one or more of the following criteria: it is a conservative change, it occurs at a poorly conserved position in the protein, it is predicted to be benign by multiple in silico algorithms, and/or has population frequency not consistent with disease.